The following is an entry in ClinVar:

ClinVar aggregate classification (germline): Uncertain significance (1 of 4 stars; one submission).

Submission:

Labcorp Genetics (formerly Invitae), Labcorp
Classification: Uncertain significance. Last evaluated: 2024-10-23. Review status: criteria provided, single submitter. Criteria: Invitae Variant Classification Sherloc (09022015). Collection method: clinical testing. Allele origin: germline.
Comment: This sequence change replaces methionine, which is neutral and non-polar, with isoleucine, which is neutral and non-polar, at codon 261 of the MAK protein (p.Met261Ile). This variant is not present in population databases (gnomAD no frequency). This variant has not been reported in the literature in individuals affected with MAK-related conditions. ClinVar contains an entry for this variant (Variation ID: 2131369). Invitae Evidence Modeling of protein sequence and biophysical properties (such as structural, functional, and spatial information, amino acid conservation, physicochemical variation, residue mobility, and thermodynamic stability) indicates that this missense variant is not expected to disrupt MAK protein function with a negative predictive value of 80%. In summary, the available evidence is currently insufficient to determine the role of this variant in disease. Therefore, it has been classified as a Variant of Uncertain Significance.

NM_001242957.3(MAK):c.783G>C (p.Met261Ile)

Gene: MAK (male germ cell associated kinase; minus strand). Cytogenetic location: 6p24.2.
Variant type: single nucleotide variant.
Coding change: c.783G>C on transcript NM_001242957.3 (MANE Select); coding-DNA position 783, G replaced by C.
Protein change: p.Met261Ile; replaces methionine 261 with isoleucine.
Molecular consequence: missense variant. On other transcripts: non-coding transcript variant (2).
Genome position (GRCh38, 1-based): chr6:10,801,940, C>G on the plus strand (G>C on the coding strand, the complement: MAK is on the minus strand). VCF-style: chr6-10801940-C-G. GRCh37 (hg19) VCF-style: chr6-10802173-C-G.
Other names: c.783G>C, p.Met261Ile (NM_001242385.2, NM_005906.6); c.681G>C, p.Met227Ile (NM_001377262.1); short protein forms M227I, M261I.
Identifiers: ClinVar variation 2131369 (VCV002131369.4), dbSNP rs2532467950, ClinGen allele CA362720064.